The following is an entry in ClinVar:

NM_020975.6(RET):c.2391T>G (p.Asp797Glu)

Gene: RET (ret proto-oncogene; plus strand). Cytogenetic location: 10q11.21.
Variant type: single nucleotide variant.
Coding change: c.2391T>G on transcript NM_020975.6 (MANE Select); coding-DNA position 2391, T replaced by G.
Protein change: p.Asp797Glu; replaces aspartic acid 797 with glutamic acid.
Molecular consequence: missense variant.
Genome position (GRCh38, 1-based): chr10:43,118,479, T>G. VCF-style: chr10-43118479-T-G. GRCh37 (hg19) VCF-style: chr10-43613927-T-G.
Other names: c.1629T>G, p.Asp543Glu (NM_001355216.2); c.2391T>G, p.Asp797Glu (NM_001406743.1, NM_001406744.1, NM_001406759.1 and 2 more transcripts); c.2262T>G, p.Asp754Glu (NM_001406761.1, NM_001406762.1, NM_001406764.1); c.2256T>G, p.Asp752Glu (NM_001406763.1, NM_001406765.1); c.2103T>G, p.Asp701Glu (NM_001406766.1, NM_001406767.1, NM_001406770.1); c.2127T>G, p.Asp709Glu (NM_001406768.1); c.1995T>G, p.Asp665Glu (NM_001406769.1, NM_001406772.1); c.1953T>G, p.Asp651Glu (NM_001406771.1, NM_001406773.1); and 10 more; short protein forms D362E, D402E, D467E, D622E, D455E, D498E, D709E, D314E.
Identifiers: ClinVar variation 4545631 (VCV004545631.1).

ClinVar aggregate classification (germline): Uncertain significance (1 of 4 stars; one submission).

Conditions:
Hereditary cancer-predisposing syndrome. Also called: Tumor predisposition; Hereditary Cancer Syndrome; Hereditary neoplastic syndrome; Neoplastic Syndromes, Hereditary. Identifiers: Orphanet 140162, MedGen C0027672, MeSH D009386, MONDO:0015356.

Submission:

Ambry Genetics
Classification: Uncertain significance for Hereditary cancer-predisposing syndrome. Last evaluated: 2025-11-12. Review status: criteria provided, single submitter. Criteria: Ambry Variant Classification Scheme 2023. Collection method: clinical testing. Allele origin: germline.
Comment: The p.D797E variant (also known as c.2391T>G), located in coding exon 13 of the RET gene, results from a T to G substitution at nucleotide position 2391. The aspartic acid at codon 797 is replaced by glutamic acid, an amino acid with highly similar properties. This amino acid position is conserved. In addition, this alteration is predicted to be tolerated by in silico analysis. Based on the available evidence, the clinical significance of this variant remains unclear.